The following is an entry in ClinVar:

NM_004183.4(BEST1):c.1612G>A (p.Glu538Lys)

Gene: BEST1 (bestrophin 1; plus strand). Cytogenetic location: 11q12.3.
Variant type: single nucleotide variant.
Coding change: c.1612G>A on transcript NM_004183.4 (MANE Select); coding-DNA position 1612, G replaced by A.
Protein change: p.Glu538Lys; replaces glutamic acid 538 with lysine.
Molecular consequence: missense variant. On other transcripts: non-coding transcript variant (1).
Genome position (GRCh38, 1-based): chr11:61,962,766, G>A. VCF-style: chr11-61962766-G-A. GRCh37 (hg19) VCF-style: chr11-61730238-G-A.
Other names: c.1432G>A, p.Glu478Lys (NM_001139443.3, NM_001300787.2); c.1351G>A, p.Glu451Lys (NM_001300786.2); c.1294G>A, p.Glu432Lys (NM_001363591.3); c.*507G>A (NM_001363592.2); c.640G>A, p.Glu214Lys (NM_001363593.3); short protein forms E451K, E538K, E214K, E478K, E432K.
Identifiers: ClinVar variation 2044145 (VCV002044145.4), dbSNP rs1942208203, ClinGen allele CA380849929.
Genomic context (GRCh38, chr11:61,962,766, plus strand): 5'-GAGAGCGATGGGGCCTTGATGGAGCACCCAGAAGTATCTCAAGTGAGGAGGAAAACTGTG[G>A]AGTTTAACCTGACGGATATGCCAGAGATCCCCGAAAATCACCTCAAAGAACCTTTGGAAC-3'
Protein context (NP_004174.1, residues 528-548): EVSQVRRKTV[Glu538Lys]FNLTDMPEIP

ClinVar aggregate classification (germline): Uncertain significance (1 of 4 stars; one submission).

Submission:

Labcorp Genetics (formerly Invitae), Labcorp
Classification: Uncertain significance. Last evaluated: 2022-03-18. Review status: criteria provided, single submitter. Criteria: Invitae Variant Classification Sherloc (09022015). Collection method: clinical testing. Allele origin: germline.
Comment: This sequence change replaces glutamic acid, which is acidic and polar, with lysine, which is basic and polar, at codon 538 of the BEST1 protein (p.Glu538Lys). This variant is not present in population databases (gnomAD no frequency). This missense change has been observed in individual(s) with Best vitelliform macular dystrophy (Invitae). Algorithms developed to predict the effect of missense changes on protein structure and function (SIFT, PolyPhen-2, Align-GVGD) all suggest that this variant is likely to be tolerated. In summary, the available evidence is currently insufficient to determine the role of this variant in disease. Therefore, it has been classified as a Variant of Uncertain Significance.